The following is an entry in ClinVar:

NM_000153.4(GALC):c.2036_2040del (p.Phe679fs)

Gene: GALC (galactosylceramidase; minus strand). Cytogenetic location: 14q31.3.
Variant type: Deletion.
Coding change: c.2036_2040del on transcript NM_000153.4 (MANE Select); coding-DNA positions 2036 to 2040, 5 bases deleted (TTCTT; older notation c.2036_2040delTTCTT).
Protein change: p.Phe679fs; shifts the reading frame from phenylalanine 679.
Molecular consequence: frameshift variant.
Genome position (GRCh38, 1-based): chr14:87,934,750-87,934,754, AAGAA deleted on the plus strand (TTCTT on the coding strand, the reverse complement: GALC is on the minus strand); deleting any 5 consecutive bases within chr14:87,934,750-87,934,755 gives the same sequence; the c. name uses the placement nearest the transcript's 3' end. VCF-style (leftmost placement, unchanged base first): chr14-87934749-CAAGAA-C. GRCh37 (hg19) VCF-style: chr14-88401093-CAAGAA-C.
Other names: c.2036_2040del (NM_000153.3); c.2036_2040delTTCTT (NM_000153.3); c.1958_1962del, p.Phe653fs (NM_001201402.2); c.1967_1971del, p.Phe656fs (NM_001201401.2); short protein forms F653fs, F656fs, F679fs.
Identifiers: ClinVar variation 1067094 (VCV001067094.12), dbSNP rs2139925505, ClinGen allele CA2499222748.

ClinVar aggregate classification (germline): Conflicting classifications of pathogenicity. Review status: criteria provided, conflicting classifications (1 of 4 stars). 3 submissions from 3 submitters: Pathogenic (1); Likely pathogenic (1); Uncertain significance (1). Last evaluated 2024-12-03.

Conditions:
Galactosylceramide beta-galactosidase deficiency. Also called: Krabbe Disease; Leukodystrophy, Globoid Cell; GALACTOCEREBROSIDASE DEFICIENCY; GALC DEFICIENCY; GLOBOID CELL LEUKOENCEPHALOPATHY. Identifiers: Orphanet 487, MedGen C0023521, MONDO:0009499, OMIM 245200.

Submissions (3):

Natera, Inc.
Classification: Likely pathogenic for Galactosylceramide beta-galactosidase deficiency. Last evaluated: 2024-12-03. Review status: criteria provided, single submitter. Criteria: Natera Variant Classification Schema (03/2026). Collection method: clinical testing. Allele origin: germline.
Comment: The c.2036_2040delTTCTT variant in GALC is a frameshift variant predicted to elongate the protein beyond the termination codon. This variant is expected to result in nonsense mediated decay, truncation, or a dysfunctional protein product. This variant is rare in the general population with a frequency below the threshold expected for the associated phenotype(s). Functional studies show that this variant may disrupt protein function (PMID: 27638593). Given the available evidence, this variant is classified as Likely Pathogenic.

Labcorp Genetics (formerly Invitae), Labcorp
Classification: Pathogenic for Galactosylceramide beta-galactosidase deficiency. Last evaluated: 2022-11-07. Review status: criteria provided, single submitter. Criteria: Invitae Variant Classification Sherloc (09022015). Collection method: clinical testing. Allele origin: germline.
Comment: This sequence change results in a frameshift in the GALC gene (p.Phe679Cysfs*13). While this is not anticipated to result in nonsense mediated decay, it is expected to disrupt the last 7 amino acid(s) of the GALC protein and extend the protein by 5 additional amino acid residues. This variant is not present in population databases (gnomAD no frequency). This variant has not been reported in the literature in individuals affected with GALC-related conditions. ClinVar contains an entry for this variant (Variation ID: 1067094). For these reasons, this variant has been classified as Pathogenic. This variant disrupts a region of the GALC protein in which other variant(s) (p.Val681Met) have been determined to be pathogenic (PMID: 23462331, 31885218). This suggests that this is a clinically significant region of the protein, and that variants that disrupt it are likely to be disease-causing. Experimental studies have shown that this frameshift affects GALC function (PMID: 27638593). Algorithms developed to predict the effect of variants on protein structure and function are not available or were not evaluated for this variant.

Revvity Omics, Revvity
Classification: Uncertain significance. Last evaluated: 2020-02-21. Review status: criteria provided, single submitter. Criteria: ACMG Guidelines, 2015. Collection method: clinical testing. Allele origin: germline.

Literature cited by the submitters: PubMed 27638593 (cited by Natera, Inc. and Labcorp Genetics (formerly Invitae), Labcorp); PubMed 23462331 (cited by Labcorp Genetics (formerly Invitae), Labcorp); PubMed 31885218 (cited by Labcorp Genetics (formerly Invitae), Labcorp).